The following is an entry in ClinVar:

ClinVar aggregate classification (germline): Uncertain significance (1 of 4 stars; one submission).

Allele frequency attached by ClinVar (database versions not stated): gnomAD 0.00001 and 0.00003; TOPMed 0.00002.
gnomAD v4.1: 10 of 1,613,668 alleles (0.00062%); highest among the groups gnomAD compares: South Asian, 0.0044%; no homozygotes.

Submission:

GeneDx
Classification: Uncertain significance. Last evaluated: 2019-12-17. Review status: criteria provided, single submitter. Criteria: GeneDx Variant Classification Process June 2021. Collection method: clinical testing. Allele origin: germline. Affected: yes.
Comment: Not observed at a significant frequency in large population cohorts (Lek et al., 2016); Missense variant in a gene in which most reported pathogenic variants are truncating/loss-of-function; Has not been previously published as pathogenic or benign to our knowledge

NM_001267550.2(TTN):c.97081G>A (p.Val32361Ile)

Genes: TTN (titin; minus strand), TTN-AS1 (TTN antisense RNA 1; plus strand). Cytogenetic location: 2q31.2.
Variant type: single nucleotide variant.
Coding change: c.97081G>A on transcript NM_001267550.2 (MANE Select); coding-DNA position 97081, G replaced by A.
Protein change: p.Val32361Ile; replaces valine 32361 with isoleucine.
Molecular consequence: missense variant.
Genome position (GRCh38, 1-based): chr2:178,542,773, C>T on the plus strand (G>A on the coding strand, the complement: TTN is on the minus strand). VCF-style: chr2-178542773-C-T. GRCh37 (hg19) VCF-style: chr2-179407500-C-T.
Other names: c.92158G>A, p.Val30720Ile (NM_001256850.1); c.69886G>A, p.Val23296Ile (NM_003319.4); c.89377G>A, p.Val29793Ile (NM_133378.4); c.70261G>A, p.Val23421Ile (NM_133432.3); c.70462G>A, p.Val23488Ile (NM_133437.4); short protein forms V23296I, V23421I, V23488I, V29793I, V30720I, V32361I.
Identifiers: ClinVar variation 1311242 (VCV001311242.2), dbSNP rs766538774, ClinGen allele CA60969251.
Genomic context (GRCh38, chr2:178,542,773, plus strand): 5'-ATTCAAGTGTGTATTCTCCAGTATCTCTGATAGTGGTTTCACGGATGGTTAATTTAGCTA[C>T]TTTAGTGTGAGTTTCAACTGTGACACGCTCTGATTCTCTCAGTTTAGAACCAGCAAAGAA-3'
Protein context (NP_001254479.2, residues 32351-32371): ERVTVETHTK[Val32361Ile]AKLTIRETTI